The following is an entry in ClinVar:

ClinVar aggregate classification (germline): Benign/Likely benign. Review status: criteria provided, multiple submitters, no conflicts (2 of 4 stars). 2 submissions from 2 submitters: Benign (1); Likely benign (1). Last evaluated 2023-08-06.

Conditions:
Neurodevelopmental disorder with hypotonia, stereotypic hand movements, and impaired language. Also called: Intellectual disability, autosomal dominant 20. Identifiers: Orphanet 228384, Orphanet 664410, MedGen C3150700, MONDO:0013266, OMIM 613443.

Submissions (2):

Labcorp Genetics (formerly Invitae), Labcorp
Classification: Benign for Neurodevelopmental disorder with hypotonia, stereotypic hand movements, and impaired language. Last evaluated: 2023-08-06. Review status: criteria provided, single submitter. Criteria: Invitae Variant Classification Sherloc (09022015). Collection method: clinical testing. Allele origin: germline.

GeneDx
Classification: Likely benign. Last evaluated: 2016-06-23. Review status: criteria provided, single submitter. Criteria: GeneDx Variant Classification (06012015). Collection method: clinical testing. Allele origin: germline. Affected: yes.
Comment: This variant is considered likely benign or benign based on one or more of the following criteria: it is a conservative change, it occurs at a poorly conserved position in the protein, it is predicted to be benign by multiple in silico algorithms, and/or has population frequency not consistent with disease.

NM_002397.5(MEF2C):c.965-6_965-2del

Gene: MEF2C (myocyte enhancer factor 2C; minus strand). Cytogenetic location: 5q14.3.
Variant type: Deletion.
Coding change: c.965-6_965-2del on transcript NM_002397.5 (MANE Select); 6 bases into the intron before coding-DNA position 965 through the canonical splice acceptor site of the intron before coding-DNA position 965, 5 bases deleted (ATCTA; older notation c.965-6_965-2delATCTA).
Molecular consequence: splice acceptor variant.
Genome position (GRCh38, 1-based): chr5:88,728,630-88,728,634, TAGAT deleted on the plus strand (ATCTA on the coding strand, the reverse complement: MEF2C is on the minus strand); deleting any 5 consecutive bases within chr5:88,728,630-88,728,636 gives the same sequence; the c. name uses the placement nearest the transcript's 3' end. VCF-style (leftmost placement, unchanged base first): chr5-88728629-CTAGAT-C. GRCh37 (hg19) VCF-style: chr5-88024446-CTAGAT-C.
Other names: c.965-6_965-2del (NM_001364329.2, NM_001364330.2, NM_001193350.2 and 9 more transcripts); c.941-6_941-2del (NM_001364333.2, NM_001308002.3, NM_001364349.2 and 6 more transcripts); c.821-6_821-2del (NM_001364344.2, NM_001364354.2, NM_001364332.2 and 2 more transcripts); c.587-6_587-2del (NM_001364353.2, NM_001364356.2); c.935-6_935-2del (NM_001131005.2, NM_001364352.2, NM_001364343.2); c.995-6_995-2del (NM_001193347.1, NM_001364338.2); c.797-6_797-2del (NM_001193348.1); c.515-6_515-2del (NM_001364357.2); and 1 more.
Identifiers: ClinVar variation 421452 (VCV000421452.9), dbSNP rs1064795146, ClinGen allele CA16618218.
Genomic context (GRCh38, chr5:88,728,629, plus strand): 5'-GAGCGCTGGCGGTGTTAAACCCAGACAGAGATGACAGGTCTGCACTACTCAGAGAGTACT[CTAGAT>C]TAAAGAATAAAACAACAAGGGAAAATATTAAATTTAGAAATTATCAAATGGTAAATAGAA-3'